The following is an entry in ClinVar:

NC_000003.11:g.(?_33038537)_(33038856_?)del

Gene: GLB1 (galactosidase beta 1; minus strand). Cytogenetic location: 3p22.3.
Variant type: Deletion.
Identifiers: ClinVar variation 3246843 (VCV003246843.1).

ClinVar aggregate classification (germline): Pathogenic (1 of 4 stars; one submission).

Conditions:
GM1 gangliosidosis. Identifiers: Orphanet 354, MedGen C0085131, MONDO:0018149.
Mucopolysaccharidosis, MPS-IV-B (MPS4B). Also called: MORQUIO SYNDROME B; Mucopolysaccharidosis type IV B; Mucopolysaccharidosis Type IVB; Mucopolysaccharidosis type 4B; Mucopolysaccharidosis type IVB (Morquio); MPS IVB. Identifiers: Orphanet 309310, Orphanet 582, MedGen C0086652, MONDO:0009660, OMIM 253010.

Submission:

Labcorp Genetics (formerly Invitae), Labcorp
Classification: Pathogenic for Mucopolysaccharidosis, MPS-IV-B; GM1 gangliosidosis. Last evaluated: 2023-05-17. Review status: criteria provided, single submitter. Criteria: Invitae Variant Classification Sherloc (09022015). Collection method: clinical testing. Allele origin: unknown.
Comment: This variant is a gross deletion of the genomic region encompassing exon(s) 16 of the GLB1 gene, which includes the termination codon. This deletion extends beyond the assayed region for this gene and therefore may encompass additional genes. While this deletion is not anticipated to lead to nonsense mediated decay, it is expected to alter mRNA translation or result in a truncated protein product. This variant has not been reported in the literature in individuals affected with GLB1-related conditions. For these reasons, this variant has been classified as Pathogenic. This variant disrupts a region of the GLB1 protein in which other variant(s) (p.Arg590Cys) have been determined to be pathogenic (PMID: 16941474, 17309651, 17664528, 23430803). This suggests that this is a clinically significant region of the protein, and that variants that disrupt it are likely to be disease-causing.

Literature cited by the submitters: PubMed 16941474; PubMed 17309651; PubMed 17664528; PubMed 23430803.